The following is an entry in ClinVar:

ClinVar aggregate classification (germline): Uncertain significance (1 of 4 stars; one submission).

Submission:

Labcorp Genetics (formerly Invitae), Labcorp
Classification: Uncertain significance. Last evaluated: 2021-10-20. Review status: criteria provided, single submitter. Criteria: Invitae Variant Classification Sherloc (09022015). Collection method: clinical testing. Allele origin: germline.
Comment: Advanced modeling of protein sequence and biophysical properties (such as structural, functional, and spatial information, amino acid conservation, physicochemical variation, residue mobility, and thermodynamic stability) performed at Invitae indicates that this missense variant is not expected to disrupt COL11A1 protein function. This variant has not been reported in the literature in individuals affected with COL11A1-related conditions. This variant is not present in population databases (ExAC no frequency). This sequence change replaces isoleucine with valine at codon 1461 of the COL11A1 protein (p.Ile1461Val). The isoleucine residue is highly conserved and there is a small physicochemical difference between isoleucine and valine. Algorithms developed to predict the effect of sequence changes on RNA splicing suggest that this variant may create or strengthen a splice site. In summary, the available evidence is currently insufficient to determine the role of this variant in disease. Therefore, it has been classified as a Variant of Uncertain Significance.

NM_001854.4(COL11A1):c.4381A>G (p.Ile1461Val)

Gene: COL11A1 (collagen type XI alpha 1 chain; minus strand). Cytogenetic location: 1p21.1.
Variant type: single nucleotide variant.
Coding change: c.4381A>G on transcript NM_001854.4 (MANE Select); coding-DNA position 4381, A replaced by G.
Protein change: p.Ile1461Val; replaces isoleucine 1461 with valine.
Molecular consequence: missense variant. On other transcripts: non-coding transcript variant (1).
Genome position (GRCh38, 1-based): chr1:102,889,538, T>C on the plus strand (A>G on the coding strand, the complement: COL11A1 is on the minus strand). VCF-style: chr1-102889538-T-C. GRCh37 (hg19) VCF-style: chr1-103355094-T-C.
Other names: c.4264A>G, p.Ile1422Val (NM_001190709.2); c.4417A>G, p.Ile1473Val (NM_080629.3); c.4033A>G, p.Ile1345Val (NM_080630.4); short protein forms I1345V, I1473V, I1422V, I1461V.
Identifiers: ClinVar variation 1372308 (VCV001372308.6), dbSNP rs2100858136, ClinGen allele CA341212748.